The following is an entry in ClinVar:

NM_001271.4(CHD2):c.151A>G (p.Ser51Gly)

Gene: CHD2 (chromodomain helicase DNA binding protein 2; plus strand). Cytogenetic location: 15q26.1.
Variant type: single nucleotide variant.
Coding change: c.151A>G on transcript NM_001271.4 (MANE Select); coding-DNA position 151, A replaced by G.
Protein change: p.Ser51Gly; replaces serine 51 with glycine.
Molecular consequence: missense variant.
Genome position (GRCh38, 1-based): chr15:92,924,409, A>G. VCF-style: chr15-92924409-A-G. GRCh37 (hg19) VCF-style: chr15-93467639-A-G.
Other names: c.151A>G, p.Ser51Gly (NM_001042572.3); short protein forms S51G.
Identifiers: ClinVar variation 2721062 (VCV002721062.3), dbSNP rs2053018255, ClinGen allele CA393896167.

ClinVar aggregate classification (germline): Uncertain significance (1 of 4 stars; one submission).

Conditions:
Developmental and epileptic encephalopathy 94 (DEE94). Also called: CHD2-Related Neurodevelopmental Disorders; Epileptic encephalopathy, childhood-onset. Identifiers: Orphanet 1942, Orphanet 2382, MedGen C3809278, MONDO:0014150, OMIM 615369.

Allele frequency attached by ClinVar (database versions not stated): TOPMed 0.00003.
gnomAD v4.1: 1 of 1,614,226 alleles (0.000062%); no homozygotes.

Submission:

Labcorp Genetics (formerly Invitae), Labcorp
Classification: Uncertain significance for Developmental and epileptic encephalopathy 94. Last evaluated: 2025-11-06. Review status: criteria provided, single submitter. Criteria: Invitae Variant Classification Sherloc (09022015). Collection method: clinical testing. Allele origin: germline.
Comment: This sequence change replaces serine, which is neutral and polar, with glycine, which is neutral and non-polar, at codon 51 of the CHD2 protein (p.Ser51Gly). This variant is not present in population databases (gnomAD no frequency). This variant has not been reported in the literature in individuals affected with CHD2-related conditions. ClinVar contains an entry for this variant (Variation ID: 2721062). Invitae Evidence Modeling of protein sequence and biophysical properties (such as structural, functional, and spatial information, amino acid conservation, physicochemical variation, residue mobility, and thermodynamic stability) indicates that this missense variant is not expected to disrupt CHD2 protein function with a negative predictive value of 95%. In summary, the available evidence is currently insufficient to determine the role of this variant in disease. Therefore, it has been classified as a Variant of Uncertain Significance.